The following is an entry in ClinVar:

ClinVar aggregate classification (germline): Uncertain significance. Review status: criteria provided, multiple submitters, no conflicts (2 of 4 stars). 2 submissions from 2 submitters: Uncertain significance (2). Last evaluated 2024-08-22.

Conditions:
Hereditary cancer-predisposing syndrome. Also called: Tumor predisposition; Hereditary neoplastic syndrome; Neoplastic Syndromes, Hereditary; Hereditary Cancer Syndrome. Identifiers: Orphanet 140162, MedGen C0027672, MeSH D009386, MONDO:0015356.

Allele frequency attached by ClinVar (database versions not stated): gnomAD exomes below 0.00001.
gnomAD v4.1: 1 of 1,614,066 alleles (0.000062%); highest among the groups gnomAD compares: Non-Finnish European, 0.000085%; no homozygotes.

Submissions (2):

Ambry Genetics
Classification: Uncertain significance for Hereditary cancer-predisposing syndrome. Last evaluated: 2024-08-22. Review status: criteria provided, single submitter. Criteria: Ambry Variant Classification Scheme 2023. Collection method: clinical testing. Allele origin: germline.
Comment: The c.628+5A>C intronic variant results from an A to C substitution 5 nucleotides after coding exon 5 in the SMARCB1 gene. This nucleotide position is poorly conserved in available vertebrate species. In silico splice site analysis predicts that this alteration will not have any significant effect on splicing. Based on the available evidence, the clinical significance of this variant remains unclear.

Labcorp Genetics (formerly Invitae), Labcorp
Classification: Uncertain significance. Last evaluated: 2023-08-08. Review status: criteria provided, single submitter. Criteria: Invitae Variant Classification Sherloc (09022015). Collection method: clinical testing. Allele origin: germline.
Comment: This sequence change falls in intron 5 of the SMARCB1 gene. It does not directly change the encoded amino acid sequence of the SMARCB1 protein. It affects a nucleotide within the consensus splice site. ClinVar contains an entry for this variant (Variation ID: 664339). In summary, the available evidence is currently insufficient to determine the role of this variant in disease. Therefore, it has been classified as a Variant of Uncertain Significance. Variants that disrupt the consensus splice site are a relatively common cause of aberrant splicing (PMID: 17576681, 9536098). Algorithms developed to predict the effect of sequence changes on RNA splicing suggest that this variant is not likely to affect RNA splicing. This variant has not been reported in the literature in individuals affected with SMARCB1-related conditions. This variant is not present in population databases (gnomAD no frequency).

Literature cited by the submitters: PubMed 17576681 (cited by Labcorp Genetics (formerly Invitae), Labcorp); PubMed 9536098 (cited by Labcorp Genetics (formerly Invitae), Labcorp).

NM_003073.5(SMARCB1):c.628+5A>C

Gene: SMARCB1 (SWI/SNF related BAF chromatin remodeling complex subunit B1; plus strand). Cytogenetic location: 22q11.23.
Variant type: single nucleotide variant.
Coding change: c.628+5A>C on transcript NM_003073.5 (MANE Select); 5 bases into the intron after coding-DNA position 628, A replaced by C.
Molecular consequence: intron variant.
Genome position (GRCh38, 1-based): chr22:23,803,427, A>C. VCF-style: chr22-23803427-A-C. GRCh37 (hg19) VCF-style: chr22-24145614-A-C.
Other names: c.628+5A>C (LRG_520t1); c.682+5A>C (NM_001362877.2); c.655+5A>C (NM_001317946.2); c.601+5A>C (NM_001007468.3).
Identifiers: ClinVar variation 664339 (VCV000664339.12), dbSNP rs1298640170, ClinGen allele CA915950744.